The following is an entry in ClinVar:

NM_007294.4(BRCA1):c.217C>G (p.Leu73Val)

Gene: BRCA1 (BRCA1 DNA repair associated; minus strand). Cytogenetic location: 17q21.31.
Variant type: single nucleotide variant.
Coding change: c.217C>G on transcript NM_007294.4 (MANE Select); coding-DNA position 217, C replaced by G.
Protein change: p.Leu73Val; replaces leucine 73 with valine.
Molecular consequence: missense variant. On other transcripts: non-coding transcript variant (1).
Genome position (GRCh38, 1-based): chr17:43,104,952, G>C on the plus strand (C>G on the coding strand, the complement: BRCA1 is on the minus strand). VCF-style: chr17-43104952-G-C. GRCh37 (hg19) VCF-style: chr17-41256969-G-C.
Other names: c.76C>G, p.Leu26Val (NM_001407742.1, NM_001407743.1, NM_001407744.1 and 99 more transcripts); c.7C>G, p.Leu3Val (NM_001407853.1, NM_001407879.1, NM_001407881.1 and 58 more transcripts); c.217C>G, p.Leu73Val (NM_001407854.1, NM_001407858.1, NM_001407859.1 and 168 more transcripts); c.139C>G, p.Leu47Val (NM_001407862.1, NM_001407874.1, NM_001407875.1 and 21 more transcripts); c.-165C>G (NM_001407959.1, NM_001407960.1, NM_001407962.1 and 4 more transcripts); c.85C>G, p.Leu29Val (NM_001408451.1); short protein forms L73V, L26V, L29V, L47V, L3V.
Identifiers: ClinVar variation 865288 (VCV000865288.3), dbSNP rs786201203, ClinGen allele CA10601728.

Conditions:
Breast-ovarian cancer, familial, susceptibility to, 1 (BROVCA1). Also called: BRCA1 Hereditary Breast and Ovarian Cancer; OVARIAN CANCER, SUSCEPTIBILITY TO. Identifiers: Orphanet 145, MedGen C2676676, MONDO:0011450, OMIM 604370. Disease mechanism: loss of function.

Submission:

Brotman Baty Institute, University of Washington
No classification provided (evidence only). Condition: Breast-ovarian cancer, familial 1. Review status: no classification provided. Collection method: in vitro. Allele origin: not applicable. Functional consequence: functionally_normal.
ClinVar note: "not provided" was previously submitted as the classification for the variant. However, the classification appeared to be based only on an observation of functional data so it was converted to no classification on 2025-07-30.